The following is an entry in ClinVar:

ClinVar aggregate classification (germline): Uncertain significance. Review status: criteria provided, multiple submitters, no conflicts (2 of 4 stars). 2 submissions from 2 submitters: Uncertain significance (2). Last evaluated 2025-09-24.

Conditions:
Pancreatic adenocarcinoma. Identifiers: MedGen C0281361, MONDO:0006047, HP:0006725.

Allele frequency attached by ClinVar (database versions not stated): gnomAD 0.00001; gnomAD exomes 0.00001; TOPMed 0.00002.
gnomAD v4.1: 24 of 1,520,056 alleles (0.0016%); highest among the groups gnomAD compares: Admixed American, 0.004%; no homozygotes.

Submissions (2):

Ambry Genetics
Classification: Uncertain significance. Last evaluated: 2025-09-24. Review status: criteria provided, single submitter. Criteria: Ambry Variant Classification Scheme 2023. Collection method: clinical testing. Allele origin: germline.

Labcorp Genetics (formerly Invitae), Labcorp
Classification: Uncertain significance for Pancreatic adenocarcinoma. Last evaluated: 2024-01-24. Review status: criteria provided, single submitter. Criteria: Invitae Variant Classification Sherloc (09022015). Collection method: clinical testing. Allele origin: germline.
Comment: This sequence change replaces proline, which is neutral and non-polar, with leucine, which is neutral and non-polar, at codon 151 of the PALLD protein (p.Pro151Leu). This variant is present in population databases (no rsID available, gnomAD 0.002%). This variant has not been reported in the literature in individuals affected with PALLD-related conditions. ClinVar contains an entry for this variant (Variation ID: 1025910). An algorithm developed to predict the effect of missense changes on protein structure and function (PolyPhen-2) suggests that this variant is likely to be tolerated. In summary, the available evidence is currently insufficient to determine the role of this variant in disease. Therefore, it has been classified as a Variant of Uncertain Significance.

NM_001166108.2(PALLD):c.1965-12579C>T

Gene: PALLD (palladin, cytoskeletal associated protein; plus strand). Cytogenetic location: 4q32.3.
Variant type: single nucleotide variant.
Coding change: c.1965-12579C>T on transcript NM_001166108.2 (MANE Select); 12579 bases into the intron before coding-DNA position 1965, C replaced by T.
Molecular consequence: intron variant. On other transcripts: missense variant (1).
Genome position (GRCh38, 1-based): chr4:168,878,343, C>T. VCF-style: chr4-168878343-C-T. GRCh37 (hg19) VCF-style: chr4-169799494-C-T.
Other names: c.452C>T, p.Pro151Leu (NM_001166110.2); c.1965-12579C>T (NM_016081.4); c.819-12579C>T (NM_001166109.2); c.-157-12579C>T (NM_001367570.1, NM_001367568.1, NM_001367567.1 and 1 more transcripts); c.452C>T (NM_001166110.1); short protein forms P151L.
Identifiers: ClinVar variation 1025910 (VCV001025910.11), dbSNP rs1009236606, ClinGen allele CA110515950.